The following is an entry in ClinVar:

ClinVar aggregate classification (germline): Uncertain significance (1 of 4 stars; one submission).

Conditions:
Long QT syndrome (LQTS). Identifiers: MedGen C0023976, MeSH D008133, MONDO:0002442. Disease mechanism: loss of function. Inheritance: Various modes of inheritance.

Allele frequency attached by ClinVar (database versions not stated): ExAC 0.00001; gnomAD exomes 0.00001.
gnomAD v4.1: 5 of 1,613,570 alleles (0.00031%); highest among the groups gnomAD compares: Non-Finnish European, 0.00034%; no homozygotes.

Submission:

Labcorp Genetics (formerly Invitae), Labcorp
Classification: Uncertain significance for Long QT syndrome. Last evaluated: 2021-09-09. Review status: criteria provided, single submitter. Criteria: Invitae Variant Classification Sherloc (09022015). Collection method: clinical testing. Allele origin: germline.
Comment: This variant has not been reported in the literature in individuals affected with AKAP9-related conditions. This sequence change replaces glycine with serine at codon 971 of the AKAP9 protein (p.Gly971Ser). The glycine residue is weakly conserved and there is a small physicochemical difference between glycine and serine. This variant is present in population databases (rs761624453, ExAC 0.002%). Algorithms developed to predict the effect of missense changes on protein structure and function output the following: SIFT: "Tolerated"; PolyPhen-2: "Benign"; Align-GVGD: "Class C0". The serine amino acid residue is found in multiple mammalian species, which suggests that this missense change does not adversely affect protein function. In summary, the available evidence is currently insufficient to determine the role of this variant in disease. Therefore, it has been classified as a Variant of Uncertain Significance.

NM_005751.5(AKAP9):c.2911G>A (p.Gly971Ser)

Gene: AKAP9 (A-kinase anchoring protein 9; plus strand). Cytogenetic location: 7q21.2.
Variant type: single nucleotide variant.
Coding change: c.2911G>A on transcript NM_005751.5 (MANE Select); coding-DNA position 2911, G replaced by A.
Protein change: p.Gly971Ser; replaces glycine 971 with serine.
Molecular consequence: missense variant.
Genome position (GRCh38, 1-based): chr7:92,002,828, G>A. VCF-style: chr7-92002828-G-A. GRCh37 (hg19) VCF-style: chr7-91632142-G-A.
Other names: c.2911G>A, p.Gly971Ser (NM_147185.3); short protein forms G971S.
Identifiers: ClinVar variation 1514643 (VCV001514643.6), dbSNP rs761624453, ClinGen allele CA4336216.